The following is an entry in ClinVar:

ClinVar aggregate classification (germline): Uncertain significance (1 of 4 stars; one submission).

Conditions:
Inborn genetic diseases. Identifiers: MedGen C0950123, MeSH D030342.

Allele frequency attached by ClinVar (database versions not stated): TOPMed below 0.00001; gnomAD 0.00001.
gnomAD v4.1: 1 of 1,613,980 alleles (0.000062%); highest among the groups gnomAD compares: Non-Finnish European, 0.000085%; no homozygotes.

Submission:

Ambry Genetics
Classification: Uncertain significance for Inborn genetic diseases. Last evaluated: 2022-09-19. Review status: criteria provided, single submitter. Criteria: Ambry Variant Classification Scheme 2023. Collection method: clinical testing. Allele origin: germline.
Comment: The p.R2608K variant (also known as c.7823G>A), located in coding exon 47 of the ATR gene, results from a G to A substitution at nucleotide position 7823. The arginine at codon 2608 is replaced by lysine, an amino acid with highly similar properties. This amino acid position is conserved. In addition, this alteration is predicted to be tolerated by in silico analysis. Since supporting evidence is limited at this time, the clinical significance of this alteration remains unclear.

NM_001184.4(ATR):c.7823G>A (p.Arg2608Lys)

Gene: ATR (ATR checkpoint kinase; minus strand). Cytogenetic location: 3q23.
Variant type: single nucleotide variant.
Coding change: c.7823G>A on transcript NM_001184.4 (MANE Select); coding-DNA position 7823, G replaced by A.
Protein change: p.Arg2608Lys; replaces arginine 2608 with lysine.
Molecular consequence: missense variant.
Genome position (GRCh38, 1-based): chr3:142,449,541, C>T on the plus strand (G>A on the coding strand, the complement: ATR is on the minus strand). VCF-style: chr3-142449541-C-T. GRCh37 (hg19) VCF-style: chr3-142168383-C-T.
Other names: c.7631G>A, p.Arg2544Lys (NM_001354579.2); short protein forms R2608K, R2544K.
Identifiers: ClinVar variation 1760778 (VCV001760778.2), dbSNP rs1349108610, ClinGen allele CA354793861.
Genomic context (GRCh38, chr3:142,449,541, plus strand): 5'-GTAGCTTCCTGTATAAGGTAATGCACATGTCCTTCAATAGATAACGGCAGTCCTGTCACT[C>T]TATTTCGAGTCTTGATTACACCTTGTAGTCGCTGCTCAATGTCAAGAACATGGGTCTTGG-3'
Protein context (NP_001175.2, residues 2598-2618): RLQGVIKTRN[Arg2608Lys]VTGLPLSIEG